The following is an entry in ClinVar:

ClinVar aggregate classification (germline): Likely pathogenic. Review status: criteria provided, multiple submitters, no conflicts (2 of 4 stars). 2 submissions from 2 submitters: Likely pathogenic (2). Last evaluated 2024-06-04.

Conditions:
Alport syndrome. Also called: Hemorrhagic familial nephritis; Hemorrhagic hereditary nephritis; Congenital hereditary hematuria. Identifiers: Orphanet 63, MedGen C1567741, MONDO:0018965.
Autosomal recessive Alport syndrome (ATS2). Also called: Alport syndrome type 2; COL4A3-Related Nephropathy; COL4A4 Alport Syndrome and Thin Basement Membrane Nephropathy; ALPORT SYNDROME 2, AUTOSOMAL RECESSIVE. Identifiers: Orphanet 63, Orphanet 88919, MedGen C4746745, MONDO:0008762, OMIM 203780.
Hematuria, benign familial, 1 (BFH1). Also called: THIN MEMBRANE NEPHROPATHY. Identifiers: MedGen CN376803, MONDO:0007709, OMIM 141200.

gnomAD v4.1: 1 of 1,614,048 alleles (0.000062%); highest among the groups gnomAD compares: East Asian, 0.0022%; no homozygotes.

Submissions (2):

Fulgent Genetics
Classification: Likely pathogenic for Hematuria, benign familial, 1; Autosomal recessive Alport syndrome. Last evaluated: 2024-06-04. Review status: criteria provided, single submitter. Criteria: ACMG Guidelines, 2015. Collection method: clinical testing. Allele origin: germline.

Natera, Inc.
Classification: Likely pathogenic for Alport syndrome. Last evaluated: 2024-05-16. Review status: criteria provided, single submitter. Criteria: Natera Variant Classification Schema (03/2026). Collection method: clinical testing. Allele origin: germline.
Comment: The c.2608G>C variant in COL4A4 is a missense variant predicted to cause substitution of glycine to arginine at amino acid 870. This variant is rare in the general population with a frequency below the threshold expected for the associated phenotype(s). This variant has been observed in one or more individuals affected with the associated recessive disease, as either homozygous or compound heterozygous with a second variant (PMID: 24633401). This variant is located in a functionally critical region of the protein. Computational prediction algorithms indicate this variant is likely to affect gene or protein function. Given the available evidence, this variant is classified as Likely Pathogenic.

Literature cited by the submitters: PubMed 24633401 (cited by Natera, Inc.).

NM_000092.5(COL4A4):c.2608G>C (p.Gly870Arg)

Gene: COL4A4 (collagen type IV alpha 4 chain; minus strand). Cytogenetic location: 2q36.3.
Variant type: single nucleotide variant.
Coding change: c.2608G>C on transcript NM_000092.5 (MANE Select); coding-DNA position 2608, G replaced by C.
Protein change: p.Gly870Arg; replaces glycine 870 with arginine.
Molecular consequence: missense variant.
Genome position (GRCh38, 1-based): chr2:227,056,053, C>G on the plus strand (G>C on the coding strand, the complement: COL4A4 is on the minus strand). VCF-style: chr2-227056053-C-G. GRCh37 (hg19) VCF-style: chr2-227920769-C-G.
Other names: short protein forms G870R.
Identifiers: ClinVar variation 3585830 (VCV003585830.2).